The following is an entry in ClinVar:

NM_000260.4(MYO7A):c.4143G>T (p.Arg1381Ser)

Gene: MYO7A (myosin VIIA; plus strand). Cytogenetic location: 11q13.5.
Variant type: single nucleotide variant.
Coding change: c.4143G>T on transcript NM_000260.4 (MANE Select); coding-DNA position 4143, G replaced by T.
Protein change: p.Arg1381Ser; replaces arginine 1381 with serine.
Molecular consequence: missense variant.
Genome position (GRCh38, 1-based): chr11:77,192,269, G>T. VCF-style: chr11-77192269-G-T. GRCh37 (hg19) VCF-style: chr11-76903314-G-T.
Other names: c.4143G>T, p.Arg1381Ser (NM_001127180.2); c.4110G>T, p.Arg1370Ser (NM_001369365.1); short protein forms R1370S, R1381S.
Identifiers: ClinVar variation 3616740 (VCV003616740.2).

ClinVar aggregate classification (germline): Uncertain significance (1 of 4 stars; one submission).

Submission:

Labcorp Genetics (formerly Invitae), Labcorp
Classification: Uncertain significance. Last evaluated: 2024-04-05. Review status: criteria provided, single submitter. Criteria: Invitae Variant Classification Sherloc (09022015). Collection method: clinical testing. Allele origin: germline.
Comment: This sequence change replaces arginine, which is basic and polar, with serine, which is neutral and polar, at codon 1381 of the MYO7A protein (p.Arg1381Ser). This variant is not present in population databases (gnomAD no frequency). This variant has not been reported in the literature in individuals affected with MYO7A-related conditions. Advanced modeling of protein sequence and biophysical properties (such as structural, functional, and spatial information, amino acid conservation, physicochemical variation, residue mobility, and thermodynamic stability) performed at Invitae indicates that this missense variant is not expected to disrupt MYO7A protein function with a negative predictive value of 95%. In summary, the available evidence is currently insufficient to determine the role of this variant in disease. Therefore, it has been classified as a Variant of Uncertain Significance.